The following is an entry in ClinVar:

NM_000094.4(COL7A1):c.8371del (p.Arg2791fs)

Gene: COL7A1 (collagen type VII alpha 1 chain; minus strand). Cytogenetic location: 3p21.31.
Variant type: Deletion.
Coding change: c.8371del on transcript NM_000094.4 (MANE Select); coding-DNA position 8371, one base deleted (C; older notation c.8371delC).
Protein change: p.Arg2791fs; shifts the reading frame from arginine 2791.
Molecular consequence: frameshift variant.
Genome position (GRCh38, 1-based): chr3:48,566,303, G deleted on the plus strand (C on the coding strand, the reverse complement: COL7A1 is on the minus strand); the first of 2 consecutive G bases (chr3:48,566,303-48,566,304); deleting either gives the same sequence. VCF-style (leftmost placement, unchanged base first): chr3-48566302-CG-C. GRCh37 (hg19) VCF-style: chr3-48603735-CG-C.
Other names: c.8371del (NM_000094.3); short protein forms R2791fs.
Identifiers: ClinVar variation 1069808 (VCV001069808.6), dbSNP rs2107630477, ClinGen allele CA2499216818.

ClinVar aggregate classification (germline): Pathogenic. Review status: criteria provided, multiple submitters, no conflicts (2 of 4 stars). 2 submissions from 2 submitters: Pathogenic (2). Last evaluated 2024-05-07.

Submissions (2):

GeneDx
Classification: Pathogenic. Last evaluated: 2024-05-07. Review status: criteria provided, single submitter. Criteria: GeneDx Variant Classification Process June 2021. Collection method: clinical testing. Allele origin: germline. Affected: yes.
Comment: Reported with another variant on the opposite allele (in trans) in a patient with intermediate epidermolysis bullosa (PMID: 36287101); Frameshift variant predicted to result in protein truncation or nonsense mediated decay in a gene for which loss of function is a known mechanism of disease; Not observed at significant frequency in large population cohorts (gnomAD); This variant is associated with the following publications: (PMID: 16971478, 36287101)

Labcorp Genetics (formerly Invitae), Labcorp
Classification: Pathogenic. Last evaluated: 2020-08-29. Review status: criteria provided, single submitter. Criteria: Invitae Variant Classification Sherloc (09022015). Collection method: clinical testing. Allele origin: germline.
Comment: This variant is not present in population databases (ExAC no frequency). This sequence change creates a premature translational stop signal (p.Arg2791Glyfs*8) in the COL7A1 gene. It is expected to result in an absent or disrupted protein product. This variant has not been reported in the literature in individuals with COL7A1-related conditions. For these reasons, this variant has been classified as Pathogenic. Loss-of-function variants in COL7A1 are known to be pathogenic (PMID: 16971478).

Literature cited by the submitters: PubMed 16971478 (cited by Labcorp Genetics (formerly Invitae), Labcorp).